The following is an entry in ClinVar:

NM_001113378.2(FANCI):c.1698+4A>G

Gene: FANCI (FA complementation group I; plus strand). Cytogenetic location: 15q26.1.
Variant type: single nucleotide variant.
Coding change: c.1698+4A>G on transcript NM_001113378.2 (MANE Select); 4 bases into the intron after coding-DNA position 1698, A replaced by G.
Molecular consequence: intron variant.
Genome position (GRCh38, 1-based): chr15:89,283,254, A>G. VCF-style: chr15-89283254-A-G. GRCh37 (hg19) VCF-style: chr15-89826485-A-G.
Other names: c.1698+4A>G (NM_018193.3, NM_001376911.1); c.1419+4A>G (NM_001376910.1).
Identifiers: ClinVar variation 1337731 (VCV001337731.8), dbSNP rs1233338671, ClinGen allele CA716878387.

ClinVar aggregate classification (germline): Uncertain significance. Review status: criteria provided, multiple submitters, no conflicts (2 of 4 stars). 2 submissions from 2 submitters: Uncertain significance (2). Last evaluated 2024-03-10.

Conditions:
Fanconi anemia (FA). Also called: Fanconi's anemia. Identifiers: Orphanet 84, MedGen C0015625, MeSH D005199, MONDO:0019391.

Allele frequency attached by ClinVar (database versions not stated): TOPMed below 0.00001.

Submissions (2):

Labcorp Genetics (formerly Invitae), Labcorp
Classification: Uncertain significance for Fanconi anemia. Last evaluated: 2024-03-10. Review status: criteria provided, single submitter. Criteria: Invitae Variant Classification Sherloc (09022015). Collection method: clinical testing. Allele origin: germline.
Comment: This sequence change falls in intron 17 of the FANCI gene. It does not directly change the encoded amino acid sequence of the FANCI protein. It affects a nucleotide within the consensus splice site. This variant is not present in population databases (gnomAD no frequency). This variant has not been reported in the literature in individuals affected with FANCI-related conditions. ClinVar contains an entry for this variant (Variation ID: 1337731). Variants that disrupt the consensus splice site are a relatively common cause of aberrant splicing (PMID: 17576681, 9536098). Algorithms developed to predict the effect of sequence changes on RNA splicing suggest that this variant may disrupt the consensus splice site. In summary, the available evidence is currently insufficient to determine the role of this variant in disease. Therefore, it has been classified as a Variant of Uncertain Significance.

Genetic Services Laboratory, University of Chicago
Classification: Uncertain significance. Last evaluated: 2020-09-09. Review status: criteria provided, single submitter. Criteria: ACMG Guidelines, 2015. Collection method: clinical testing. Allele origin: germline. Affected: no.

Literature cited by the submitters: PubMed 17576681 (cited by Labcorp Genetics (formerly Invitae), Labcorp); PubMed 9536098 (cited by Labcorp Genetics (formerly Invitae), Labcorp).